The following is an entry in ClinVar:

NM_018238.4(AGK):c.390+1G>A

Gene: AGK (acylglycerol kinase; plus strand). Cytogenetic location: 7q34.
Variant type: single nucleotide variant.
Coding change: c.390+1G>A on transcript NM_018238.4 (MANE Select); the canonical splice donor site of the intron after coding-DNA position 390, G replaced by A.
Molecular consequence: splice donor variant.
Genome position (GRCh38, 1-based): chr7:141,611,288, G>A. VCF-style: chr7-141611288-G-A. GRCh37 (hg19) VCF-style: chr7-141311088-G-A.
Other names: c.390+1G>A (NM_001364948.3).
Identifiers: ClinVar variation 467793 (VCV000467793.7), dbSNP rs777096695, ClinGen allele CA4517411.
Genomic context (GRCh38, chr7:141,611,288, plus strand): 5'-GAACTGATGGAAAACACGGATGTGATCATTGTTGCAGGAGGAGATGGGACACTGCAGGAG[G>A]TATGACTGTTTTTCTCTTTGAAGCTATTTTGAAGGTGAGAAAAATGGAAATTAAATCCTA-3'

ClinVar aggregate classification (germline): Likely pathogenic. Review status: criteria provided, single submitter (1 of 4 stars). 2 submissions from 1 submitter: Likely pathogenic (2). Last evaluated 2017-02-22.

Conditions:
Sengers syndrome. Also called: MITOCHONDRIAL DNA DEPLETION SYNDROME 10 (CARDIOMYOPATHIC TYPE); Cardiomyopathy and cataract. Identifiers: Orphanet 1369, MedGen C1859317, MONDO:0008922, OMIM 212350.
Cataract 38. Also called: Cataract, autosomal recessive congenital 5; Cataract 38, autosomal recessive. Identifiers: Orphanet 91492, MedGen C3553494, MONDO:0013859, OMIM 614691.

Allele frequency attached by ClinVar (database versions not stated): gnomAD exomes below 0.00001; ExAC 0.00001.
gnomAD v4.1: 1 of 1,604,752 alleles (0.000062%); no homozygotes.

Submissions (2):

Labcorp Genetics (formerly Invitae), Labcorp
Classification: Likely pathogenic for Sengers syndrome. Last evaluated: 2017-02-22. Review status: criteria provided, single submitter. Criteria: Invitae Variant Classification Sherloc (09022015). Collection method: clinical testing. Allele origin: germline.
Comment: This sequence change affects a donor splice site in intron 6 of the AGK gene. It is expected to disrupt RNA splicing and likely results in an absent or disrupted protein product. This variant has not been reported in the literature in individuals with an AGK-related disease. In summary, donor and acceptor splice site variants are typically loss-of-function (PMID: 16199547), and loss-of-function variants in AGK are known to be pathogenic (PMID: 22284826). However, without additional functional and/or genetic data, this variant has been classified as Likely Pathogenic.

Labcorp Genetics (formerly Invitae), Labcorp
Classification: Likely pathogenic for Sengers syndrome; Cataract 38. Last evaluated: 2017-02-06. Review status: criteria provided, single submitter. Criteria: Invitae Variant Classification Sherloc (09022015). Collection method: clinical testing. Allele origin: germline.
Comment: the same text as in the submission from Labcorp Genetics (formerly Invitae), Labcorp above.

Literature cited by the submitters: PubMed 16199547; PubMed 22284826.